The following is an entry in ClinVar:

ClinVar aggregate classification (germline): Conflicting classifications of pathogenicity. Review status: criteria provided, conflicting classifications (1 of 4 stars). 2 submissions from 2 submitters: Pathogenic (1); Uncertain significance (1). Last evaluated 2023-05-08.

Allele frequency attached by ClinVar (database versions not stated): gnomAD exomes below 0.00001; TOPMed below 0.00001.

Submissions (2):

Labcorp Genetics (formerly Invitae), Labcorp
Classification: Pathogenic. Last evaluated: 2023-05-08. Review status: criteria provided, single submitter. Criteria: Invitae Variant Classification Sherloc (09022015). Collection method: clinical testing. Allele origin: germline.
Comment: ClinVar contains an entry for this variant (Variation ID: 502302). This missense change has been observed in individual(s) with Stargardt disease (PMID: 25412400). In at least one individual the data is consistent with being in trans (on the opposite chromosome) from a pathogenic variant. This variant is present in population databases (no rsID available, gnomAD 0.0009%). This sequence change replaces asparagine, which is neutral and polar, with histidine, which is basic and polar, at codon 504 of the ABCA4 protein (p.Asn504His). For these reasons, this variant has been classified as Pathogenic. Advanced modeling of protein sequence and biophysical properties (such as structural, functional, and spatial information, amino acid conservation, physicochemical variation, residue mobility, and thermodynamic stability) performed at Invitae indicates that this missense variant is expected to disrupt ABCA4 protein function.

Eurofins Ntd Llc (ga)
Classification: Uncertain significance. Last evaluated: 2017-06-07. Review status: criteria provided, single submitter. Criteria: EGL Classification Definitions 2015. Collection method: clinical testing. Allele origin: germline. Observed: 1 variant allele, 1 heterozygote.

Literature cited by the submitters: PubMed 25412400 (cited by Labcorp Genetics (formerly Invitae), Labcorp).

NM_000350.3(ABCA4):c.1510A>C (p.Asn504His)

Gene: ABCA4 (ATP binding cassette subfamily A member 4; minus strand). Cytogenetic location: 1p22.1.
Variant type: single nucleotide variant.
Coding change: c.1510A>C on transcript NM_000350.3 (MANE Select); coding-DNA position 1510, A replaced by C.
Protein change: p.Asn504His; replaces asparagine 504 with histidine.
Molecular consequence: missense variant.
Genome position (GRCh38, 1-based): chr1:94,077,734, T>G on the plus strand (A>C on the coding strand, the complement: ABCA4 is on the minus strand). VCF-style: chr1-94077734-T-G. GRCh37 (hg19) VCF-style: chr1-94543290-T-G.
Other names: c.1510A>C, p.Asn504His (NM_001425324.1); short protein forms N504H.
Identifiers: ClinVar variation 502302 (VCV000502302.13), dbSNP rs1243753206, ClinGen allele CA341281880.